The following is an entry in ClinVar:

NM_000393.5(COL5A2):c.3694G>C (p.Ala1232Pro)

Gene: COL5A2 (collagen type V alpha 2 chain; minus strand). Cytogenetic location: 2q32.2.
Variant type: single nucleotide variant.
Coding change: c.3694G>C on transcript NM_000393.5 (MANE Select); coding-DNA position 3694, G replaced by C.
Protein change: p.Ala1232Pro; replaces alanine 1232 with proline.
Molecular consequence: missense variant.
Genome position (GRCh38, 1-based): chr2:189,039,503, C>G on the plus strand (G>C on the coding strand, the complement: COL5A2 is on the minus strand). VCF-style: chr2-189039503-C-G. GRCh37 (hg19) VCF-style: chr2-189904229-C-G.
Other names: short protein forms A1232P.
Identifiers: ClinVar variation 1514367 (VCV001514367.6), dbSNP rs1263127952, ClinGen allele CA349858007.

ClinVar aggregate classification (germline): Uncertain significance (1 of 4 stars; one submission).

Conditions:
Ehlers-Danlos syndrome, classic type, 1 (EDSCL1). Also called: EHLERS-DANLOS SYNDROME, GRAVIS TYPE; EHLERS-DANLOS SYNDROME, SEVERE CLASSIC TYPE; Ehlers-Danlos syndrome, type 1; Ehlers-Danlos Syndrome, Classic Type, COL5A1-Related; EDS I. Identifiers: MedGen C0268335, MONDO:0019567, OMIM 130000.

Submission:

Labcorp Genetics (formerly Invitae), Labcorp
Classification: Uncertain significance for Ehlers-Danlos syndrome, classic type, 1. Last evaluated: 2022-07-29. Review status: criteria provided, single submitter. Criteria: Invitae Variant Classification Sherloc (09022015). Collection method: clinical testing. Allele origin: germline.
Comment: This variant is not present in population databases (gnomAD no frequency). This variant has not been reported in the literature in individuals affected with COL5A2-related conditions. ClinVar contains an entry for this variant (Variation ID: 1514367). Advanced modeling of protein sequence and biophysical properties (such as structural, functional, and spatial information, amino acid conservation, physicochemical variation, residue mobility, and thermodynamic stability) performed at Invitae indicates that this missense variant is not expected to disrupt COL5A2 protein function. In summary, the available evidence is currently insufficient to determine the role of this variant in disease. Therefore, it has been classified as a Variant of Uncertain Significance. This sequence change replaces alanine, which is neutral and non-polar, with proline, which is neutral and non-polar, at codon 1232 of the COL5A2 protein (p.Ala1232Pro).